The following is an entry in ClinVar:

NM_004168.4(SDHA):c.1636C>G (p.Leu546Val)

Gene: SDHA (succinate dehydrogenase complex flavoprotein subunit A; plus strand). Cytogenetic location: 5p15.33.
Variant type: single nucleotide variant.
Coding change: c.1636C>G on transcript NM_004168.4 (MANE Select); coding-DNA position 1636, C replaced by G.
Protein change: p.Leu546Val; replaces leucine 546 with valine.
Molecular consequence: missense variant. On other transcripts: intron variant (1).
Genome position (GRCh38, 1-based): chr5:251,076, C>G. VCF-style: chr5-251076-C-G. GRCh37 (hg19) VCF-style: chr5-251191-C-G.
Other names: c.1492C>G, p.Leu498Val (NM_001294332.2); c.1552-3317C>G (NM_001330758.2); short protein forms L498V, L546V.
Identifiers: ClinVar variation 3223723 (VCV003223723.1), dbSNP rs1579438083, ClinGen allele CA358998771.
Genomic context (GRCh38, chr5:251,076, plus strand): 5'-TTCCGTGTGGGAAGCGTGTTGCAAGAAGGTTGTGGGAAAATCAGCAAGCTCTATGGAGAC[C>G]TAAAGCACCTGAAGACGTTCGACCGGGGTGAGCAGACAGTGGGCTCTGTGCACACTGTTG-3'
Protein context (NP_004159.2, residues 536-556): CGKISKLYGD[Leu546Val]KHLKTFDRGM

ClinVar aggregate classification (germline): Uncertain significance (1 of 4 stars; one submission).

Conditions:
Hereditary cancer-predisposing syndrome. Also called: Tumor predisposition; Hereditary neoplastic syndrome; Hereditary Cancer Syndrome; Neoplastic Syndromes, Hereditary. Identifiers: Orphanet 140162, MedGen C0027672, MeSH D009386, MONDO:0015356.

Submission:

Ambry Genetics
Classification: Uncertain significance for Hereditary cancer-predisposing syndrome. Last evaluated: 2023-10-15. Review status: criteria provided, single submitter. Criteria: Ambry Variant Classification Scheme 2023. Collection method: clinical testing. Allele origin: germline.
Comment: The p.L546V variant (also known as c.1636C>G), located in coding exon 12 of the SDHA gene, results from a C to G substitution at nucleotide position 1636. The leucine at codon 546 is replaced by valine, an amino acid with highly similar properties. This amino acid position is conserved. In addition, this alteration is predicted to be tolerated by in silico analysis. Since supporting evidence is limited at this time, the clinical significance of this alteration remains unclear.